The following is an entry in ClinVar:

ClinVar aggregate classification (germline): Uncertain significance (1 of 4 stars; one submission).

gnomAD v4.1: 6 of 1,613,906 alleles (0.00037%); highest among the groups gnomAD compares: African/African-American, 0.008%; no homozygotes.

Submission:

Ambry Genetics
Classification: Uncertain significance. Last evaluated: 2024-04-24. Review status: criteria provided, single submitter. Criteria: Ambry Variant Classification Scheme 2023. Collection method: clinical testing. Allele origin: germline.
Comment: Does not currently meet published gene-disease clinical validity criteria Based on insufficient or conflicting evidence, the clinical significance of this alteration remains unclear.

Literature cited by the submitters: PubMed 28106320.

NM_001128205.2(SULF1):c.1537G>T (p.Ala513Ser)

Gene: SULF1 (sulfatase 1; plus strand). Cytogenetic location: 8q13.3.
Variant type: single nucleotide variant.
Coding change: c.1537G>T on transcript NM_001128205.2 (MANE Select); coding-DNA position 1537, G replaced by T.
Protein change: p.Ala513Ser; replaces alanine 513 with serine.
Molecular consequence: missense variant. On other transcripts: 5 prime UTR variant (1), non-coding transcript variant (7).
Genome position (GRCh38, 1-based): chr8:69,621,194, G>T. VCF-style: chr8-69621194-G-T. GRCh37 (hg19) VCF-style: chr8-70533429-G-T.
Other names: c.1537G>T, p.Ala513Ser (NM_001128204.2, NM_001128206.2, NM_001412828.1 and 9 more transcripts); c.1408G>T, p.Ala470Ser (NM_001412832.1, NM_001412838.1, NM_001412839.1 and 1 more transcripts); c.1480G>T, p.Ala494Ser (NM_001412836.1, NM_001412837.1); c.1351G>T, p.Ala451Ser (NM_001412841.1, NM_001412842.1); c.937G>T, p.Ala313Ser (NM_001412844.1, NM_001412845.1); c.-255G>T (NM_001412846.1); short protein forms A451S, A470S, A494S, A313S, A513S.
Identifiers: ClinVar variation 3323578 (VCV003323578.1).